The following is an entry in ClinVar:

ClinVar aggregate classification (germline): Uncertain significance (1 of 4 stars; one submission).

Conditions:
Neuronal ceroid lipofuscinosis. Also called: Neuronal Ceroid Lipofuscinoses. Identifiers: Orphanet 216, Orphanet 79263, MedGen C0027877, MONDO:0016295. Disease mechanism: loss of function.

Submission:

Labcorp Genetics (formerly Invitae), Labcorp
Classification: Uncertain significance for Neuronal ceroid lipofuscinosis. Last evaluated: 2023-11-07. Review status: criteria provided, single submitter. Criteria: Invitae Variant Classification Sherloc (09022015). Collection method: clinical testing. Allele origin: unknown.
Comment: This variant is a gross deletion of the genomic region encompassing exon(s) 2-4 of the DNAJC5 gene, which includes the initiator codon. This deletion extends beyond the assayed region for this gene and therefore may encompass additional genes. It is expected to result in an absent or disrupted protein product. However, the current clinical and genetic evidence is not sufficient to establish whether loss-of-function variants in DNAJC5 cause disease. This variant has not been reported in the literature in individuals affected with DNAJC5-related conditions. In summary, the available evidence is currently insufficient to determine the role of this variant in disease. Therefore, it has been classified as a Variant of Uncertain Significance.

NC_000020.10:g.(?_62559699)_(62562395_?)del

Gene: DNAJC5 (DnaJ heat shock protein family (Hsp40) member C5; plus strand). Cytogenetic location: 20q13.33.
Variant type: Deletion.
Identifiers: ClinVar variation 3248231 (VCV003248231.1).